The following is an entry in ClinVar:

ClinVar aggregate classification (germline): Uncertain significance (1 of 4 stars; one submission).

Submission:

Labcorp Genetics (formerly Invitae), Labcorp
Classification: Uncertain significance. Last evaluated: 2025-12-08. Review status: criteria provided, single submitter. Criteria: Invitae Variant Classification Sherloc (09022015). Collection method: clinical testing. Allele origin: germline.
Comment: This sequence change falls in intron 18 of the CCDC141 gene. It does not directly change the encoded amino acid sequence of the CCDC141 protein. It affects a nucleotide within the consensus splice site. This variant is not present in population databases (gnomAD no frequency). This variant has not been reported in the literature in individuals affected with CCDC141-related conditions. ClinVar contains an entry for this variant (Variation ID: 2806593). Variants that disrupt the consensus splice site are a relatively common cause of aberrant splicing (PMID: 17576681, 9536098). Algorithms developed to predict the effect of sequence changes on RNA splicing suggest that this variant is not likely to affect RNA splicing. In summary, the available evidence is currently insufficient to determine the role of this variant in disease. Therefore, it has been classified as a Variant of Uncertain Significance.

Literature cited by the submitters: PubMed 17576681; PubMed 9536098.

NM_173648.4(CCDC141):c.2865+5del

Gene: CCDC141 (coiled-coil domain containing 141; minus strand). Cytogenetic location: 2q31.2.
Variant type: Deletion.
Coding change: c.2865+5del on transcript NM_173648.4 (MANE Select); 5 bases into the intron after coding-DNA position 2865, one base deleted (C; older notation c.2865+5delC).
Molecular consequence: intron variant.
Genome position (GRCh38, 1-based): chr2:178,856,252, G deleted on the plus strand (C on the coding strand, the reverse complement: CCDC141 is on the minus strand). VCF-style (leftmost placement, unchanged base first): chr2-178856251-TG-T. GRCh37 (hg19) VCF-style: chr2-179720978-TG-T.
Identifiers: ClinVar variation 2806593 (VCV002806593.3), dbSNP rs2535315742, ClinGen allele CA2739278062.